The following is an entry in ClinVar:

ClinVar aggregate classification (germline): Conflicting classifications of pathogenicity. Review status: criteria provided, conflicting classifications (1 of 4 stars). 21 submissions from 21 submitters: Uncertain significance (9); Likely benign (10). 2 of the submissions do not count toward it. Last evaluated 2026-02-03.

Conditions:
RAD51D-related disorder. Also called: RAD51D-related condition.
Breast and/or ovarian cancer. Identifiers: MedGen CN221562.
Hereditary cancer. Identifiers: MedGen C1333600.
Hereditary cancer-predisposing syndrome. Also called: Tumor predisposition; Hereditary neoplastic syndrome; Neoplastic Syndromes, Hereditary; Hereditary Cancer Syndrome. Identifiers: Orphanet 140162, MedGen C0027672, MeSH D009386, MONDO:0015356.
Breast-ovarian cancer, familial, susceptibility to, 4. Identifiers: Orphanet 145, MedGen C3280345, MONDO:0013669, OMIM 614291.
Malignant tumor of breast. Also called: Malignant breast neoplasm; Cancer breast. Identifiers: MedGen C0006142, MONDO:0007254. Disease mechanism: loss of function.

Allele frequency attached by ClinVar (database versions not stated): ExAC 0.00035; gnomAD exomes 0.00037 and 0.00067; TOPMed 0.00042; ESP Exome Variant Server 0.00069.
gnomAD v4.1: 1,058 of 1,612,440 alleles (0.066%); highest among the groups gnomAD compares: Non-Finnish European, 0.083%; 1 homozygote.

Submissions 1 to 14 of 21:

Labcorp Genetics (formerly Invitae), Labcorp
Classification: Likely benign for Breast-ovarian cancer, familial, susceptibility to, 4. Last evaluated: 2026-02-03. Review status: criteria provided, single submitter. Criteria: Invitae Variant Classification Sherloc (09022015). Collection method: clinical testing. Allele origin: germline.

Women's Health and Genetics/Laboratory Corporation of America, LabCorp
Classification: Likely benign. Last evaluated: 2025-11-05. Review status: criteria provided, single submitter. Criteria: LabCorp Variant Classification Summary - May 2015. Collection method: clinical testing. Allele origin: germline.
Comment: Variant summary: RAD51D c.26G>C (p.Cys9Ser) results in a non-conservative amino acid change in the encoded protein sequence. Algorithms developed to predict the effect of missense changes on protein structure and function are either unavailable or do not agree on the potential impact of this missense change. The variant allele was found at a frequency of 0.00037 in 258298 control chromosomes in the gnomAD database, including 1 homozygote. The observed variant frequency exceeds the estimated maximal expected allele frequency for disease-causing variants in RAD51D. c.26G>C has been observed in individual(s) affected with Hereditary Breast And Ovarian Cancer Syndrome and other types of cancer as well as controls (Wickramanyake_2012, Gutirrez-Enrquez_2013, Loveday_2011, Golmard_2013, Song_2015, Yurgelun_2017, Tung_2015, Madeddu_2019, Weitzel_2019, Gauvin_2022). These report(s) do not provide unequivocal conclusions about association of the variant with Hereditary Breast And Ovarian Cancer Syndrome. To our knowledge, no experimental evidence demonstrating an impact on protein function has been reported. The following publications have been ascertained in the context of this evaluation (PMID: 25340522, 24139550, 24130102, 21822267, 31007844, 26261251, 25186627, 31206626, 22986143, 28135145, 39907309). ClinVar contains an entry for this variant (Variation ID: 127886). Based on the evidence outlined above, the variant was classified as likely benign.

Center for Genomic Medicine, Rigshospitalet, Copenhagen University Hospital
Classification: Uncertain significance. Last evaluated: 2025-03-04. Review status: criteria provided, single submitter. Criteria: ACMG Guidelines, 2015. Collection method: clinical testing. Allele origin: germline.
Comment: Classification criteria: BP4

Myriad Genetics, Inc.
Classification: Likely benign for Breast-ovarian cancer, familial, susceptibility to, 4. Last evaluated: 2024-12-19. Review status: criteria provided, single submitter. Criteria: Myriad Autosomal Dominant, Autosomal Recessive and X-Linked Classification Criteria (2023). Collection method: clinical testing. Allele origin: unknown.
Comment: This variant is considered likely benign. This variant is strongly associated with less severe personal and family histories of cancer, typical for individuals without pathogenic variants in this gene [PMID: 25085752].

PreventionGenetics, part of Exact Sciences
Classification: Likely benign for RAD51D-related condition. Last evaluated: 2024-12-11. Review status: criteria provided, single submitter. Criteria: ACMG Guidelines, 2015. Collection method: clinical testing. Allele origin: germline.
Comment: This variant is classified as likely benign based on ACMG/AMP sequence variant interpretation guidelines (Richards et al. 2015 PMID: 25741868, with internal and published modifications).

GeneDx
Classification: Uncertain significance. Last evaluated: 2024-11-18. Review status: criteria provided, single submitter. Criteria: GeneDx Variant Classification Process June 2021. Collection method: clinical testing. Allele origin: germline. Affected: yes.
Comment: Observed in individuals with a personal and/or family history of breast, ovarian, and/or colorectal cancer, as well as in controls (PMID: 21822267, 22986143, 24139550, 24130102, 26261251, 25186627, 28135145, 29522266, 31206626, 33471991, 36315097, 35264596, 34326862, 33606809, 32885271); In silico analysis supports that this missense variant has a deleterious effect on protein structure/function; This variant is associated with the following publications: (PMID: 22986143, 28135145, 21822267, 24130102, 26261251, 24139550, 25340522, 27498913, 25186627, 29522266, 31007844, 34117267, 33471991, 36315097, 31206626, 34923718, 35264596, 21111057, 35980532, 33606809, 33203166, 29641532, 30306255, 34326862, 32885271, 36977404)

Blueprint Genetics
Classification: Likely benign. Last evaluated: 2024-10-18. Review status: criteria provided, single submitter. Criteria: ACMG Guidelines, 2015. Collection method: clinical testing. Allele origin: germline.

CeGaT Center for Human Genetics Tuebingen
Classification: Likely benign. Last evaluated: 2024-06-01. Review status: criteria provided, single submitter. Criteria: CeGaT Center For Human Genetics Tuebingen Variant Classification Criteria Version 2. Collection method: clinical testing. Allele origin: germline. Affected: yes. Observed: 3 variant alleles.
Comment: RAD51D: BP4, BS2

Mendelics
Classification: Likely benign for Hereditary cancer. Last evaluated: 2024-01-23. Review status: criteria provided, single submitter. Criteria: ACMG Guidelines, 2015. Collection method: clinical testing. Allele origin: unknown.

Quest Diagnostics Nichols Institute San Juan Capistrano
Classification: Likely benign. Last evaluated: 2023-08-18. Review status: criteria provided, single submitter. Criteria: Quest Diagnostics criteria. Collection method: clinical testing. Allele origin: unknown.

CHEO Genetics Diagnostic Laboratory, Children's Hospital of Eastern Ontario
Classification: Uncertain significance for Breast and/or ovarian cancer. Last evaluated: 2023-03-08. Review status: criteria provided, single submitter. Criteria: ACMG Guidelines, 2015. Collection method: clinical testing. Allele origin: germline.

ARUP Laboratories, Molecular Genetics and Genomics, ARUP Laboratories
Classification: Uncertain significance for Breast-ovarian cancer, familial, susceptibility to, 4. Last evaluated: 2022-10-21. Review status: criteria provided, single submitter. Criteria: ARUP Molecular Germline Variant Investigation Process 2021. Collection method: clinical testing. Allele origin: germline.
Comment: The RAD51D c.26G>C; p.Cys9Ser variant (rs140825795; ClinVar Variation ID: 127886), has been previously reported in several ovarian cancer cohort (selected references: Wickramanayake 2012 and Song 2015), but in many cases has was also identified in control populations (Weitzel 2019). This variant is found in the general population with an overall allele frequency of 0.04% (113/278,930 alleles) in the Genome Aggregation Database. The cysteine at codon 9 is moderately conserved, and computational analyses are uncertain whether this variant is neutral or deleterious (REVEL: 0.218). Based on the available information, the clinical significance of this variant is uncertain References: Song et al. Contribution of Germline Mutations in the RAD51B, RAD51C, and RAD51D Genes to Ovarian Cancer in the Population. J Clin Oncol. 2015 Sep 10;33(26):2901-7. PMID: 26261251 Weitzel et al. Pathogenic and likely pathogenic variants in PALB2, CHEK2, and other known breast cancer susceptibility genes among 1054 BRCA-negative Hispanics with breast cancer. Cancer. 2019 Aug 15;125(16):2829-2836. PMID: 31206626 Wickramanayake et al. Loss of function germline mutations in RAD51D in women with ovarian carcinoma. Gynecol Oncol. 2012 Dec;127(3):552-5. PMID: 22986143

Institute for Clinical Genetics, University Hospital TU Dresden, University Hospital TU Dresden
Classification: Uncertain significance. Last evaluated: 2021-11-03. Review status: criteria provided, single submitter. Criteria: ACMG Guidelines, 2015. Collection method: clinical testing. Allele origin: germline.

Genetic Services Laboratory, University of Chicago
Classification: Uncertain significance. Last evaluated: 2021-10-12. Review status: criteria provided, single submitter. Criteria: ACMG Guidelines, 2015. Collection method: clinical testing. Allele origin: germline. Affected: no.

NM_002878.4(RAD51D):c.26G>C (p.Cys9Ser)

Genes: RAD51D (RAD51 paralog D; minus strand), RAD51L3-RFFL (RAD51L3-RFFL readthrough; minus strand). Cytogenetic location: 17q12.
Variant type: single nucleotide variant.
Coding change: c.26G>C on transcript NM_002878.4 (MANE Select); coding-DNA position 26, G replaced by C.
Protein change: p.Cys9Ser; replaces cysteine 9 with serine.
Molecular consequence: missense variant. On other transcripts: non-coding transcript variant (2).
Genome position (GRCh38, 1-based): chr17:35,119,588, C>G on the plus strand (G>C on the coding strand, the complement: RAD51D is on the minus strand). VCF-style: chr17-35119588-C-G. GRCh37 (hg19) VCF-style: chr17-33446607-C-G.
Other names: p.C9S:TGC>TCC; c.26G>C, p.Cys9Ser (NM_001142571.2, NM_133629.3); c.26G>C (NM_001142571.1); short protein forms C9S.
Identifiers: ClinVar variation 127886 (VCV000127886.87), dbSNP rs140825795, ClinGen allele CA287968.
Genomic context (GRCh38, chr17:35,119,588, plus strand): 5'-TCACCTGTCTTGATCCTGTGGCTCCTGAGAAGCTGGATCATCTCCTCGGTAAGGCCAGGG[C>G]ACAGTCCGACCCTGAGCACGCCCATGTTCCCCGCAGGCCGGAACAGCCCCAGGGGGACTG-3'
Protein context (NP_002869.3, residues 1-19): MGVLRVGL[Cys9Ser]PGLTEEMIQL